The following is an entry in ClinVar:

ClinVar aggregate classification (germline): Pathogenic (1 of 4 stars; one submission).

Conditions:
Retinoblastoma (RB1). Also called: RETINOBLASTOMA, SOMATIC. Identifiers: Orphanet 790, MedGen C0035335, MeSH D012175, MONDO:0008380, OMIM 180200, HP:0009919. Disease mechanism: loss of function. Inheritance: Both sporadic and heritable forms are tested..

Submission:

Labcorp Genetics (formerly Invitae), Labcorp
Classification: Pathogenic for Retinoblastoma. Last evaluated: 2018-10-31. Review status: criteria provided, single submitter. Criteria: Invitae Variant Classification Sherloc (09022015). Collection method: clinical testing. Allele origin: germline.
Comment: Disruption of this splice site has been observed in several individuals with bilateral retinoblastoma (PMID: 7881418, 11317357, 26539030). For these reasons, this variant has been classified as Pathogenic. Donor and acceptor splice site variants typically lead to a loss of protein function (PMID: 16199547), and loss-of-function variants in RB1 are known to be pathogenic (PMID: 17096365). This variant is not present in population databases (ExAC no frequency). This sequence change affects a donor splice site in intron 19 of the RB1 gene. It is expected to disrupt RNA splicing and likely results in an absent or disrupted protein product.

Literature cited by the submitters: PubMed 7881418; PubMed 11317357; PubMed 26539030; PubMed 16199547; PubMed 17096365.

NM_000321.3(RB1):c.1960_1960+1insC

Gene: RB1 (RB transcriptional corepressor 1; plus strand). Cytogenetic location: 13q14.2.
Variant type: Insertion.
Coding change: c.1960_1960+1insC on transcript NM_000321.3 (MANE Select); coding-DNA position 1960 through the canonical splice donor site of the intron after coding-DNA position 1960, C inserted.
Molecular consequence: splice donor variant.
Genome position: GRCh38 VCF-style: chr13-48456349-G-GC. GRCh37 (hg19) VCF-style: chr13-49030485-G-GC.
Identifiers: ClinVar variation 645082 (VCV000645082.7), dbSNP rs1593532101, ClinGen allele CA915948564.